The following is an entry in ClinVar:

NM_004525.3(LRP2):c.5784C>T (p.Ile1928=)

Gene: LRP2 (LDL receptor related protein 2; minus strand). Cytogenetic location: 2q31.1.
Variant type: single nucleotide variant.
Coding change: c.5784C>T on transcript NM_004525.3 (MANE Select); coding-DNA position 5784, C replaced by T.
Protein change: p.Ile1928=; no amino-acid change (isoleucine 1928 retained).
Molecular consequence: synonymous variant.
Genome position (GRCh38, 1-based): chr2:169,216,295, G>A on the plus strand (C>T on the coding strand, the complement: LRP2 is on the minus strand). VCF-style: chr2-169216295-G-A. GRCh37 (hg19) VCF-style: chr2-170072805-G-A.
Other names: c.5784C>T (NM_004525.2).
Identifiers: ClinVar variation 1924856 (VCV001924856.7), dbSNP rs137904820, ClinGen allele CA1954444.

ClinVar aggregate classification (germline): Likely benign. Review status: criteria provided, multiple submitters, no conflicts (2 of 4 stars). 3 submissions from 3 submitters: Likely benign (3). Last evaluated 2025-10-23.

Conditions:
LRP2-related disorder. Also called: LRP2-related condition.

gnomAD v4.1: 24 of 1,613,418 alleles (0.0015%); highest among the groups gnomAD compares: African/African-American, 0.008%; no homozygotes.

Submissions (3):

Labcorp Genetics (formerly Invitae), Labcorp
Classification: Likely benign. Last evaluated: 2025-10-23. Review status: criteria provided, single submitter. Criteria: Invitae Variant Classification Sherloc (09022015). Collection method: clinical testing. Allele origin: germline.

PreventionGenetics, part of Exact Sciences
Classification: Likely benign for LRP2-related condition. Last evaluated: 2025-02-28. Review status: criteria provided, single submitter. Criteria: ACMG Guidelines, 2015. Collection method: clinical testing. Allele origin: germline.
Comment: This variant is classified as likely benign based on ACMG/AMP sequence variant interpretation guidelines (Richards et al. 2015 PMID: 25741868, with internal and published modifications).

Blueprint Genetics
Classification: Likely benign. Last evaluated: 2023-06-27. Review status: criteria provided, single submitter. Criteria: ACMG Guidelines, 2015. Collection method: clinical testing. Allele origin: germline.